The following is an entry in ClinVar:

NM_005188.4(CBL):c.1087G>A (p.Val363Met)

Gene: CBL (Cbl proto-oncogene; plus strand). Cytogenetic location: 11q23.3.
Variant type: single nucleotide variant.
Coding change: c.1087G>A on transcript NM_005188.4 (MANE Select); coding-DNA position 1087, G replaced by A.
Protein change: p.Val363Met; replaces valine 363 with methionine.
Molecular consequence: missense variant.
Genome position (GRCh38, 1-based): chr11:119,277,836, G>A. VCF-style: chr11-119277836-G-A. GRCh37 (hg19) VCF-style: chr11-119148546-G-A.
Other names: short protein forms V363M.
Identifiers: ClinVar variation 4825168 (VCV004825168.1).

ClinVar aggregate classification (germline): Uncertain significance (1 of 4 stars; one submission).

Conditions:
Cardiovascular phenotype. Identifiers: MedGen CN230736.

Submission:

Ambry Genetics
Classification: Uncertain significance for Cardiovascular phenotype. Last evaluated: 2026-01-20. Review status: criteria provided, single submitter. Criteria: Ambry Variant Classification Scheme 2023. Collection method: clinical testing. Allele origin: germline.
Comment: The p.V363M variant (also known as c.1087G>A), located in coding exon 7 of the CBL gene, results from a G to A substitution at nucleotide position 1087. The valine at codon 363 is replaced by methionine, an amino acid with highly similar properties. This amino acid position is conserved. In addition, this alteration is predicted to be deleterious by in silico analysis. Based on the available evidence, the clinical significance of this variant remains unclear.